The following is an entry in ClinVar:

NM_018180.3(DHX32):c.1790G>A (p.Arg597Gln)

Genes: BCCIP (BRCA2 and CDKN1A interacting protein; plus strand), DHX32 (DEAH-box helicase 32 (putative); minus strand). Cytogenetic location: 10q26.2.
Variant type: single nucleotide variant.
Coding change: c.1790G>A on transcript NM_018180.3 (MANE Select); coding-DNA position 1790, G replaced by A.
Protein change: p.Arg597Gln; replaces arginine 597 with glutamine.
Molecular consequence: missense variant. On other transcripts: intron variant (2).
Genome position (GRCh38, 1-based): chr10:125,839,092, C>T on the plus strand (G>A on the coding strand, the complement: DHX32 is on the minus strand). VCF-style: chr10-125839092-C-T. GRCh37 (hg19) VCF-style: chr10-127527661-C-T.
Other names: c.775-2163C>T (NM_016567.4, NM_078469.3); short protein forms R597Q.
Identifiers: ClinVar variation 2181272 (VCV002181272.3), dbSNP rs371509912, ClinGen allele CA5739052.

ClinVar aggregate classification (germline): Uncertain significance (1 of 4 stars; one submission).

Allele frequency attached by ClinVar (database versions not stated): ESP Exome Variant Server 0.00015; ExAC 0.00002; TOPMed 0.00003.
gnomAD v4.1: 46 of 1,614,056 alleles (0.0028%); highest among the groups gnomAD compares: African/African-American, 0.004%; no homozygotes.

Submission:

Labcorp Genetics (formerly Invitae), Labcorp
Classification: Uncertain significance. Last evaluated: 2025-10-14. Review status: criteria provided, single submitter. Criteria: Invitae Variant Classification Sherloc (09022015). Collection method: clinical testing. Allele origin: germline.
Comment: This sequence change replaces arginine, which is basic and polar, with glutamine, which is neutral and polar, at codon 597 of the DHX32 protein (p.Arg597Gln). This variant is present in population databases (rs371509912, gnomAD 0.01%). This variant has not been reported in the literature in individuals affected with DHX32-related conditions. ClinVar contains an entry for this variant (Variation ID: 2181272). An algorithm developed to predict the effect of missense changes on protein structure and function (PolyPhen-2) suggests that this variant is likely to be disruptive. In summary, the available evidence is currently insufficient to determine the role of this variant in disease. Therefore, it has been classified as a Variant of Uncertain Significance.